The following is an entry in ClinVar:

NM_001024630.4(RUNX2):c.209_210insACAGCAGGCAGCAGCA (p.Glu72fs)

Genes: RUNX2 (RUNX family transcription factor 2; plus strand), LOC109611589 (runt related transcription factor 2 polyalanine expansion region; plus strand). Cytogenetic location: 6p21.1.
Variant type: Microsatellite.
Coding change: c.209_210insACAGCAGGCAGCAGCA on transcript NM_001024630.4 (MANE Select); coding-DNA positions 209 to 210, ACAGCAGGCAGCAGCA inserted.
Protein change: p.Glu72fs; shifts the reading frame from glutamic acid 72.
Molecular consequence: frameshift variant.
Genome position: GRCh38 VCF-style: chr6-45422734-A-AGCAGCAGCAACAGCAG. GRCh37 (hg19) VCF-style: chr6-45390471-A-AGCAGCAGCAACAGCAG.
Other names: c.209_210insACAGCAGGCAGCAGCA, p.Glu72fs (NM_001015051.4); c.167_168insACAGCAGGCAGCAGCA, p.Glu58fs (NM_001278478.2, NM_001369405.1); short protein forms E58fs, E72fs.
Identifiers: ClinVar variation 3659536 (VCV003659536.2).

ClinVar aggregate classification (germline): Pathogenic (1 of 4 stars; one submission).

Submission:

Labcorp Genetics (formerly Invitae), Labcorp
Classification: Pathogenic. Last evaluated: 2024-07-27. Review status: criteria provided, single submitter. Criteria: Invitae Variant Classification Sherloc (09022015). Collection method: clinical testing. Allele origin: germline.
Comment: This sequence change creates a premature translational stop signal (p.Glu72Glnfs*94) in the RUNX2 gene. It is expected to result in an absent or disrupted protein product. Loss-of-function variants in RUNX2 are known to be pathogenic (PMID: 10521292, 11857736). This variant is not present in population databases (gnomAD no frequency). This variant has not been reported in the literature in individuals affected with RUNX2-related conditions. For these reasons, this variant has been classified as Pathogenic.

Literature cited by the submitters: PubMed 10521292; PubMed 11857736.